The following is an entry in ClinVar:

NM_016151.4(TAOK2):c.793A>T (p.Ile265Phe)

Gene: TAOK2 (TAO kinase 2; plus strand). Cytogenetic location: 16p11.2.
Variant type: single nucleotide variant.
Coding change: c.793A>T on transcript NM_016151.4 (MANE Select); coding-DNA position 793, A replaced by T.
Protein change: p.Ile265Phe; replaces isoleucine 265 with phenylalanine.
Molecular consequence: missense variant.
Genome position (GRCh38, 1-based): chr16:29,981,902, A>T. VCF-style: chr16-29981902-A-T. GRCh37 (hg19) VCF-style: chr16-29993223-A-T.
Other names: c.793A>T, p.Ile265Phe (NM_001252043.2, NM_004783.4); short protein forms I265F.
Identifiers: ClinVar variation 1443974 (VCV001443974.8), dbSNP rs1158759155, ClinGen allele CA395474641.

ClinVar aggregate classification (germline): Uncertain significance (1 of 4 stars; one submission).

Allele frequency attached by ClinVar (database versions not stated): gnomAD exomes below 0.00001; TOPMed below 0.00001; gnomAD 0.00001.
gnomAD v4.1: 8 of 1,613,876 alleles (0.0005%); highest among the groups gnomAD compares: Non-Finnish European, 0.00068%; no homozygotes.

Submission:

Labcorp Genetics (formerly Invitae), Labcorp
Classification: Uncertain significance. Last evaluated: 2025-02-10. Review status: criteria provided, single submitter. Criteria: Invitae Variant Classification Sherloc (09022015). Collection method: clinical testing. Allele origin: germline.
Comment: This sequence change replaces isoleucine, which is neutral and non-polar, with phenylalanine, which is neutral and non-polar, at codon 265 of the TAOK2 protein (p.Ile265Phe). This variant is not present in population databases (gnomAD no frequency). This variant has not been reported in the literature in individuals affected with TAOK2-related conditions. ClinVar contains an entry for this variant (Variation ID: 1443974). An algorithm developed to predict the effect of missense changes on protein structure and function (PolyPhen-2) suggests that this variant is likely to be tolerated. In summary, the available evidence is currently insufficient to determine the role of this variant in disease. Therefore, it has been classified as a Variant of Uncertain Significance.